The following is an entry in ClinVar:

NM_004320.6(ATP2A1):c.2911C>T (p.Leu971Phe)

Gene: ATP2A1 (ATPase sarcoplasmic/endoplasmic reticulum Ca2+ transporting 1; plus strand). Cytogenetic location: 16p11.2.
Variant type: single nucleotide variant.
Coding change: c.2911C>T on transcript NM_004320.6 (MANE Select); coding-DNA position 2911, C replaced by T.
Protein change: p.Leu971Phe; replaces leucine 971 with phenylalanine.
Molecular consequence: missense variant.
Genome position (GRCh38, 1-based): chr16:28,903,371, C>T. VCF-style: chr16-28903371-C-T. GRCh37 (hg19) VCF-style: chr16-28914692-C-T.
Other names: c.2536C>T, p.Leu846Phe (NM_001286075.2); c.2911C>T, p.Leu971Phe (NM_173201.5); short protein forms L846F, L971F.
Identifiers: ClinVar variation 843253 (VCV000843253.13), dbSNP rs1964147756, ClinGen allele CA395415939.

ClinVar aggregate classification (germline): Uncertain significance (1 of 4 stars; one submission).

Conditions:
Brody myopathy. Also called: BRODY DISEASE. Identifiers: Orphanet 53347, MedGen C1832918, MONDO:0010977, OMIM 601003.

Allele frequency attached by ClinVar (database versions not stated): gnomAD exomes below 0.00001.
gnomAD v4.1: 1 of 1,614,016 alleles (0.000062%); highest among the groups gnomAD compares: Non-Finnish European, 0.000085%; no homozygotes.

Submission:

Labcorp Genetics (formerly Invitae), Labcorp
Classification: Uncertain significance for Brody myopathy. Last evaluated: 2022-06-27. Review status: criteria provided, single submitter. Criteria: Invitae Variant Classification Sherloc (09022015). Collection method: clinical testing. Allele origin: germline.
Comment: This sequence change replaces leucine, which is neutral and non-polar, with phenylalanine, which is neutral and non-polar, at codon 971 of the ATP2A1 protein (p.Leu971Phe). This variant is not present in population databases (gnomAD no frequency). This variant has not been reported in the literature in individuals affected with ATP2A1-related conditions. ClinVar contains an entry for this variant (Variation ID: 843253). Algorithms developed to predict the effect of missense changes on protein structure and function output the following: SIFT: "Deleterious"; PolyPhen-2: "Benign"; Align-GVGD: "Class C0". The phenylalanine amino acid residue is found in multiple mammalian species, which suggests that this missense change does not adversely affect protein function. In summary, the available evidence is currently insufficient to determine the role of this variant in disease. Therefore, it has been classified as a Variant of Uncertain Significance.